The following is an entry in ClinVar:

NM_213599.3(ANO5):c.40+18_40+19delinsTC

Gene: ANO5 (anoctamin 5; plus strand). Cytogenetic location: 11p14.3.
Variant type: Indel.
Coding change: c.40+18_40+19delinsTC on transcript NM_213599.3 (MANE Select); bases 18 to 19 of the intron after coding-DNA position 40, GG replaced by TC.
Molecular consequence: intron variant.
Genome position (GRCh38, 1-based): chr11:22,193,550-22,193,551, GG replaced by TC. VCF-style: chr11-22193550-GG-TC. GRCh37 (hg19) VCF-style: chr11-22215096-GG-TC.
Other names: c.40+18_40+19delinsTC (NM_001142649.2).
Identifiers: ClinVar variation 2000203 (VCV002000203.4), dbSNP rs2494716550, ClinGen allele CA2580082860.
Genomic context (GRCh38, chr11:22,193,550, plus strand): 5'-AAGATGGGCGACCCGGATCTCCTGGAAGTGTTGGCGGAGGAAGGTAGGACCGCGCCAAGA[GG>TC]CGTCAAGGGAGAGCCAGGCTGGCTGCCTGCACCCCTCCACCCGCGGCGCAGAGGCCCCGG-3'

ClinVar aggregate classification (germline): Uncertain significance (1 of 4 stars; one submission).

Conditions:
Gnathodiaphyseal dysplasia (GDD). Also called: GNATHODIAPHYSEAL SCLEROSIS; OSTEOGENESIS IMPERFECTA WITH UNUSUAL SKELETAL LESIONS. Identifiers: Orphanet 53697, MedGen C1833736, MONDO:0008151, OMIM 166260.
Autosomal recessive limb-girdle muscular dystrophy type 2L (LGMDR12). Also called: MUSCULAR DYSTROPHY, LIMB-GIRDLE, AUTOSOMAL RECESSIVE 12; Limb-girdle muscular dystrophy, type 2L; Limb-Girdle Muscular Dystrophy R12 Anoctamin-5-Related (LGMD-R12). Identifiers: Orphanet 206549, MedGen C1969785, MONDO:0012652, OMIM 611307.

Submission:

Labcorp Genetics (formerly Invitae), Labcorp
Classification: Uncertain significance for Autosomal recessive limb-girdle muscular dystrophy type 2L; Gnathodiaphyseal dysplasia. Last evaluated: 2022-09-27. Review status: criteria provided, single submitter. Criteria: Invitae Variant Classification Sherloc (09022015). Collection method: clinical testing. Allele origin: germline.
Comment: In summary, the available evidence is currently insufficient to determine the role of this variant in disease. Therefore, it has been classified as a Variant of Uncertain Significance. Experimental studies and prediction algorithms are not available or were not evaluated, and the effect of this variant on mRNA splicing is currently unknown. This variant has not been reported in the literature in individuals affected with ANO5-related conditions. Information on the frequency of this variant in the gnomAD database is not available, as this variant may be reported differently in the database. This sequence change falls in intron 1 of the ANO5 gene. It does not directly change the encoded amino acid sequence of the ANO5 protein.